The following is an entry in ClinVar:

ClinVar aggregate classification (germline): Benign. Review status: criteria provided, multiple submitters, no conflicts (2 of 4 stars). 2 submissions from 2 submitters: Benign (2). Last evaluated 2021-02-25.

Allele frequency attached by ClinVar (database versions not stated): gnomAD exomes 0.13500; gnomAD 0.20638 and 0.20691; TOPMed 0.21001; 1000 Genomes Project 30x 0.23798; 1000 Genomes Project 0.23982.
gnomAD v4.1: 31,654 of 154,100 alleles (21%); highest among the groups gnomAD compares: African/African-American, 34%; 3,922 homozygotes.

Submissions (2):

GeneDx
Classification: Benign. Last evaluated: 2021-02-25. Review status: criteria provided, single submitter. Criteria: GeneDx Variant Classification Process June 2021. Collection method: clinical testing. Allele origin: germline. Affected: yes.
Comment: This variant is associated with the following publications: (PMID: 28171541)

Breakthrough Genomics
Classification: Benign. Review status: criteria provided, single submitter. Criteria: ACMG Guidelines, 2015. Collection method: not provided. Allele origin: germline. Inheritance: Unknown mechanism. Affected: yes.

NM_004162.5(RAB5A):c.*1094C>G

Genes: PP2D1 (protein phosphatase 2C like domain containing 1; minus strand), RAB5A (RAB5A, member RAS oncogene family; plus strand). Cytogenetic location: 3p24.3.
Variant type: single nucleotide variant.
Coding change: c.*1094C>G on transcript NM_004162.5 (MANE Select); 1094 bases downstream of the stop codon, C replaced by G.
Molecular consequence: 3 prime UTR variant.
Genome position (GRCh38, 1-based): chr3:19,984,917, C>G. VCF-style: chr3-19984917-C-G. GRCh37 (hg19) VCF-style: chr3-20026409-C-G.
Other names: c.*1094C>G (NM_001292048.2).
Identifiers: ClinVar variation 1178729 (VCV001178729.3), dbSNP rs8682, ClinGen allele CA11591995.